The following is an entry in ClinVar:

ClinVar aggregate classification (germline): Likely benign. Review status: criteria provided, multiple submitters, no conflicts (2 of 4 stars). 2 submissions from 2 submitters: Likely benign (2). Last evaluated 2025-02-05.

Conditions:
POLD1-related polyposis and colorectal cancer syndrome (CRCS10). Also called: Colorectal cancer 10; COLORECTAL CANCER, SUSCEPTIBILITY TO, ON CHROMOSOME 19q; Colorectal cancer, susceptibility to, 10. Identifiers: Orphanet 220460, MedGen C2675481, MONDO:0012953, OMIM 612591.

Allele frequency attached by ClinVar (database versions not stated): gnomAD exomes below 0.00001.
gnomAD v4.1: 5 of 1,553,788 alleles (0.00032%); highest among the groups gnomAD compares: East Asian, 0.0049%; no homozygotes.

Submissions (2):

Myriad Genetics, Inc.
Classification: Likely benign for POLD1-related polyposis and colorectal cancer syndrome. Last evaluated: 2025-02-05. Review status: criteria provided, single submitter. Criteria: Myriad Autosomal Dominant, Autosomal Recessive and X-Linked Classification Criteria (2023). Collection method: clinical testing. Allele origin: unknown.
Comment: This variant is considered likely benign. This variant is intronic and is not expected to impact mRNA splicing.

Labcorp Genetics (formerly Invitae), Labcorp
Classification: Likely benign for POLD1-related polyposis and colorectal cancer syndrome. Last evaluated: 2023-06-25. Review status: criteria provided, single submitter. Criteria: Invitae Variant Classification Sherloc (09022015). Collection method: clinical testing. Allele origin: germline.

NM_002691.4(POLD1):c.971-14C>T

Gene: POLD1 (DNA polymerase delta 1, catalytic subunit; plus strand). Cytogenetic location: 19q13.33.
Variant type: single nucleotide variant.
Coding change: c.971-14C>T on transcript NM_002691.4 (MANE Select); 14 bases into the intron before coding-DNA position 971, C replaced by T.
Molecular consequence: intron variant.
Genome position (GRCh38, 1-based): chr19:50,403,039, C>T. VCF-style: chr19-50403039-C-T. GRCh37 (hg19) VCF-style: chr19-50906296-C-T.
Other names: c.971-14C>T (NM_001256849.1, NM_001308632.1).
Identifiers: ClinVar variation 2062262 (VCV002062262.5), dbSNP rs2038719808, ClinGen allele CA2340883194.
Genomic context (GRCh38, chr19:50,403,039, plus strand): 5'-TGGCAGGTGCAGCCTCCCTGCTGTGTTGGGAGTGAGGGGCAGGAGTCAGGCCCCTGCATC[C>T]TCCTGCCTCGCAGGCATCTTCCCTGAGCCTGAGCGGGACCCTGTCATCCAGATCTGCTCG-3'